The following is an entry in ClinVar:

NM_000466.3(PEX1):c.476C>T (p.Ala159Val)

Gene: PEX1 (peroxisomal biogenesis factor 1; minus strand). Cytogenetic location: 7q21.2.
Variant type: single nucleotide variant.
Coding change: c.476C>T on transcript NM_000466.3 (MANE Select); coding-DNA position 476, C replaced by T.
Protein change: p.Ala159Val; replaces alanine 159 with valine.
Molecular consequence: missense variant. On other transcripts: 5 prime UTR variant (1).
Genome position (GRCh38, 1-based): chr7:92,518,039, G>A on the plus strand (C>T on the coding strand, the complement: PEX1 is on the minus strand). VCF-style: chr7-92518039-G-A. GRCh37 (hg19) VCF-style: chr7-92147353-G-A.
Other names: c.476C>T, p.Ala159Val (NM_001282677.2); c.-149C>T (NM_001282678.2); short protein forms A159V.
Identifiers: ClinVar variation 4809303 (VCV004809303.1).

ClinVar aggregate classification (germline): Uncertain significance (1 of 4 stars; one submission).

Conditions:
Zellweger spectrum disorders (ZS). Also called: Zellweger Spectrum Disorder; Zellweger Spectrum; Zellweger syndrome; Zellweger Spectrum Disorder (ZSD). Identifiers: Orphanet 912, MedGen C0043459, MONDO:0019609.

gnomAD v4.1: 3 of 1,613,976 alleles (0.00019%); highest among the groups gnomAD compares: South Asian, 0.0033%; no homozygotes.

Submission:

Labcorp Genetics (formerly Invitae), Labcorp
Classification: Uncertain significance for Zellweger spectrum disorders. Last evaluated: 2025-08-19. Review status: criteria provided, single submitter. Criteria: Invitae Variant Classification Sherloc (09022015). Collection method: clinical testing. Allele origin: germline.
Comment: This sequence change replaces alanine, which is neutral and non-polar, with valine, which is neutral and non-polar, at codon 159 of the PEX1 protein (p.Ala159Val). This variant is present in population databases (no rsID available, gnomAD 0.006%). This variant has not been reported in the literature in individuals affected with PEX1-related conditions. Invitae Evidence Modeling of protein sequence and biophysical properties (such as structural, functional, and spatial information, amino acid conservation, physicochemical variation, residue mobility, and thermodynamic stability) indicates that this missense variant is not expected to disrupt PEX1 protein function with a negative predictive value of 95%. In summary, the available evidence is currently insufficient to determine the role of this variant in disease. Therefore, it has been classified as a Variant of Uncertain Significance.